The following is an entry in ClinVar:

ClinVar aggregate classification (germline): Uncertain significance. Review status: criteria provided, single submitter (1 of 4 stars). 3 submissions from 3 submitters: Uncertain significance (1). 2 of the submissions do not count toward it. Last evaluated 2022-12-15.

Conditions:
CCL2-related disorder. Also called: CCL2-related condition.
Spina bifida, susceptibility to.

Allele frequency attached by ClinVar (database versions not stated): gnomAD 0.27904 and 0.28759; 1000 Genomes Project 0.36362; 1000 Genomes Project 30x 0.35821; TOPMed 0.28966.

Submissions (3):

Department of Pathology and Laboratory Medicine, Sinai Health System
Classification: Uncertain significance for CCL2-related condition. Last evaluated: 2022-12-15. Review status: criteria provided, single submitter. Criteria: ACMG Guidelines, 2015. Collection method: research. Allele origin: germline.

PreventionGenetics, part of Exact Sciences
Classification: Benign for CCL2-related condition. Last evaluated: 2023-07-10. Review status: no assertion criteria provided. Collection method: clinical testing. Allele origin: germline. Not counted in ClinVar's aggregate classification.
Comment: This variant is classified as benign based on ACMG/AMP sequence variant interpretation guidelines (Richards et al. 2015 PMID: 25741868, with internal and published modifications).

OMIM
Classification: Benign for RECLASSIFIED - CCL2 POLYMORPHISM. Last evaluated: 2009-01-15. Review status: no assertion criteria provided. Collection method: literature only. Allele origin: germline. Not counted in ClinVar's aggregate classification.

Literature cited by the submitters: Hamosh, A. Personal Communication. 2025. Baltimore, Md. (cited by OMIM); PubMed 16596675 (cited by OMIM); PubMed 11500196 (cited by OMIM); PubMed 15466648 (cited by OMIM); PubMed 16352737 (cited by OMIM); PubMed 18940815 (cited by OMIM).

NC_000017.11:g.34252769A>G

Genes: CCL2 (C-C motif chemokine ligand 2; plus strand), LOC126862536 (BRD4-independent group 4 enhancer GRCh37_chr17:32578883-32580082; plus strand). Cytogenetic location: 17q12.
Variant type: single nucleotide variant.
Genome position: GRCh38 VCF-style: chr17-34252769-A-G. GRCh37 (hg19) VCF-style: chr17-32579788-A-G.
Other names: -2518A-G; c.-2581A>G (NM_002982.4).
Identifiers: ClinVar variation 14207 (VCV000014207.6), dbSNP rs1024611, ClinGen allele CA123811.